The following is an entry in ClinVar:

NM_005751.5(AKAP9):c.8717G>T (p.Gly2906Val)

Gene: AKAP9 (A-kinase anchoring protein 9; plus strand). Cytogenetic location: 7q21.2.
Variant type: single nucleotide variant.
Coding change: c.8717G>T on transcript NM_005751.5 (MANE Select); coding-DNA position 8717, G replaced by T.
Protein change: p.Gly2906Val; replaces glycine 2906 with valine.
Molecular consequence: missense variant.
Genome position (GRCh38, 1-based): chr7:92,084,825, G>T. VCF-style: chr7-92084825-G-T. GRCh37 (hg19) VCF-style: chr7-91714139-G-T.
Other names: c.3362G>T, p.Gly1121Val (NM_001379277.1); c.8693G>T, p.Gly2898Val (NM_147185.3); short protein forms G1121V, G2898V, G2906V.
Identifiers: ClinVar variation 3225104 (VCV003225104.1), dbSNP rs2535264277, ClinGen allele CA368141063.

ClinVar aggregate classification (germline): Uncertain significance (1 of 4 stars; one submission).

Conditions:
Cardiovascular phenotype. Identifiers: MedGen CN230736.

Submission:

Ambry Genetics
Classification: Uncertain significance for Cardiovascular phenotype. Last evaluated: 2023-10-29. Review status: criteria provided, single submitter. Criteria: Ambry Variant Classification Scheme 2023. Collection method: clinical testing. Allele origin: germline.
Comment: The p.G2906V variant (also known as c.8717G>T), located in coding exon 35 of the AKAP9 gene, results from a G to T substitution at nucleotide position 8717. The glycine at codon 2906 is replaced by valine, an amino acid with dissimilar properties. This amino acid position is conserved. In addition, this alteration is predicted to be tolerated by in silico analysis. Since supporting evidence is limited at this time, the clinical significance of this alteration remains unclear.